The following is an entry in ClinVar:

ClinVar aggregate classification (germline): Uncertain significance. Review status: criteria provided, multiple submitters, no conflicts (2 of 4 stars). 5 submissions from 5 submitters: Uncertain significance (5). Last evaluated 2026-04-08.

Conditions:
Inborn genetic diseases. Identifiers: MedGen C0950123, MeSH D030342.
COL9A1-related disorder. Also called: COL9A1-related condition; COL9A1-related disorders.

Allele frequency attached by ClinVar (database versions not stated): ExAC 0.00010; gnomAD 0.00010 and 0.00011; TOPMed 0.00012; ESP Exome Variant Server 0.00015; gnomAD exomes 0.00016.
gnomAD v4.1: 444 of 1,613,436 alleles (0.028%); highest among the groups gnomAD compares: Non-Finnish European, 0.035%; 1 homozygote.

Submissions (5):

PreventionGenetics, part of Exact Sciences
Classification: Uncertain significance for COL9A1-related condition. Last evaluated: 2026-04-08. Review status: criteria provided, single submitter. Criteria: ACMG Guidelines, 2015. Collection method: clinical testing. Allele origin: germline.
Comment: The COL9A1 c.1186C>A variant is predicted to result in the amino acid substitution p.Pro396Thr. To our knowledge, this variant has not been reported in the literature. This variant is reported in 0.026% of alleles in individuals of European (Non-Finnish) descent in gnomAD. At this time, the clinical significance of this variant is uncertain due to the absence of conclusive functional and genetic evidence.

Blueprint Genetics
Classification: Uncertain significance. Last evaluated: 2024-06-21. Review status: criteria provided, single submitter. Criteria: ACMG Guidelines, 2015. Collection method: clinical testing. Allele origin: germline.

Labcorp Genetics (formerly Invitae), Labcorp
Classification: Uncertain significance. Last evaluated: 2022-08-13. Review status: criteria provided, single submitter. Criteria: Invitae Variant Classification Sherloc (09022015). Collection method: clinical testing. Allele origin: germline.
Comment: This sequence change replaces proline, which is neutral and non-polar, with threonine, which is neutral and polar, at codon 396 of the COL9A1 protein (p.Pro396Thr). This variant is present in population databases (rs144009736, gnomAD 0.03%). This variant has not been reported in the literature in individuals affected with COL9A1-related conditions. ClinVar contains an entry for this variant (Variation ID: 357809). Advanced modeling of protein sequence and biophysical properties (such as structural, functional, and spatial information, amino acid conservation, physicochemical variation, residue mobility, and thermodynamic stability) performed at Invitae indicates that this missense variant is not expected to disrupt COL9A1 protein function. In summary, the available evidence is currently insufficient to determine the role of this variant in disease. Therefore, it has been classified as a Variant of Uncertain Significance.

Ambry Genetics
Classification: Uncertain significance for Inborn genetic diseases. Last evaluated: 2021-10-06. Review status: criteria provided, single submitter. Criteria: Ambry Variant Classification Scheme 2023. Collection method: clinical testing. Allele origin: germline.

GeneDx
Classification: Uncertain significance. Last evaluated: 2020-06-30. Review status: criteria provided, single submitter. Criteria: GeneDx Variant Classification Process June 2021. Collection method: clinical testing. Allele origin: germline. Affected: yes.
Comment: Has not been previously published as pathogenic or benign to our knowledge; In silico analysis, which includes protein predictors and evolutionary conservation, supports that this variant does not alter protein structure/function

NM_001851.6(COL9A1):c.1186C>A (p.Pro396Thr)

Genes: COL9A1 (collagen type IX alpha 1 chain; minus strand), LOC129996692 (ATAC-STARR-seq lymphoblastoid active region 24730; plus strand). Cytogenetic location: 6q13.
Variant type: single nucleotide variant.
Coding change: c.1186C>A on transcript NM_001851.6 (MANE Select); coding-DNA position 1186, C replaced by A.
Protein change: p.Pro396Thr; replaces proline 396 with threonine.
Molecular consequence: missense variant. On other transcripts: non-coding transcript variant (1).
Genome position (GRCh38, 1-based): chr6:70,270,325, G>T on the plus strand (C>A on the coding strand, the complement: COL9A1 is on the minus strand). VCF-style: chr6-70270325-G-T. GRCh37 (hg19) VCF-style: chr6-70980028-G-T.
Other names: c.457C>A, p.Pro153Thr (NM_001377289.1, NM_001377290.1, NM_078485.4); short protein forms P396T, P153T.
Identifiers: ClinVar variation 357809 (VCV000357809.11), dbSNP rs144009736, ClinGen allele CA3882356.